The following is an entry in ClinVar:

ClinVar aggregate classification (germline): Uncertain significance (1 of 4 stars; one submission).

Conditions:
COG1 congenital disorder of glycosylation (CDG2G). Also called: CONGENITAL DISORDER OF GLYCOSYLATION, TYPE IIg; CDG IIg; CDGII/COG1 CEREBROCOSTOMANDIBULAR-LIKE SYNDROME. Identifiers: Orphanet 263508, MedGen C2931011, MONDO:0012637, OMIM 611209.

Submission:

Labcorp Genetics (formerly Invitae), Labcorp
Classification: Uncertain significance for COG1 congenital disorder of glycosylation. Last evaluated: 2021-08-07. Review status: criteria provided, single submitter. Criteria: Invitae Variant Classification Sherloc (09022015). Collection method: clinical testing. Allele origin: germline.
Comment: In summary, the available evidence is currently insufficient to determine the role of this variant in disease. Therefore, it has been classified as a Variant of Uncertain Significance. Algorithms developed to predict the effect of missense changes on protein structure and function are either unavailable or do not agree on the potential impact of this missense change (SIFT: "Deleterious"; PolyPhen-2: "Probably Damaging"; Align-GVGD: "Class C15"). This variant has not been reported in the literature in individuals affected with COG1-related conditions. This variant is not present in population databases (ExAC no frequency). This sequence change replaces glutamine with proline at codon 956 of the COG1 protein (p.Gln956Pro). The glutamine residue is highly conserved and there is a moderate physicochemical difference between glutamine and proline.

NM_018714.3(COG1):c.2867A>C (p.Gln956Pro)

Genes: COG1 (component of oligomeric golgi complex 1; plus strand), VCF1 (VCP nuclear cofactor family member 1; minus strand). Cytogenetic location: 17q25.1.
Variant type: single nucleotide variant.
Coding change: c.2867A>C on transcript NM_018714.3 (MANE Select); coding-DNA position 2867, A replaced by C.
Protein change: p.Gln956Pro; replaces glutamine 956 with proline.
Molecular consequence: missense variant. On other transcripts: 3 prime UTR variant (5).
Genome position (GRCh38, 1-based): chr17:73,208,375, A>C. VCF-style: chr17-73208375-A-C. GRCh37 (hg19) VCF-style: chr17-71204514-A-C.
Other names: c.*1154T>G (NM_001098832.2, NM_001289412.2, NM_032837.3); c.*1303T>G (NM_001289410.1, NM_001289411.1); short protein forms Q956P.
Identifiers: ClinVar variation 1479010 (VCV001479010.6), dbSNP rs2145112419, ClinGen allele CA400898395.